The following is an entry in ClinVar:

NM_020117.11(LARS1):c.840-5dup

Gene: LARS1 (leucyl-tRNA synthetase 1; minus strand). Cytogenetic location: 5q32.
Variant type: Duplication.
Coding change: c.840-5dup on transcript NM_020117.11 (MANE Select); 5 bases into the intron before coding-DNA position 840, one base duplicated (C; older notation c.840-5dupC).
Molecular consequence: intron variant.
Genome position (GRCh38, 1-based): chr5:146,157,633, G duplicated on the plus strand (C on the coding strand, the reverse complement: LARS1 is on the minus strand). VCF-style (leftmost placement, unchanged base first): chr5-146157632-A-AG. GRCh37 (hg19) VCF-style: chr5-145537195-A-AG.
Other names: c.678-5dup (NM_001317965.2); c.759-5dup (NM_016460.4); c.702-5dup (NM_001317964.2).
Identifiers: ClinVar variation 420200 (VCV000420200.1), dbSNP rs768823964, ClinGen allele CA3489797.

ClinVar aggregate classification (germline): Likely benign (1 of 4 stars; one submission).

Allele frequency attached by ClinVar (database versions not stated): TOPMed below 0.00001; ExAC 0.00001; gnomAD 0.00001; gnomAD exomes 0.00001.

Submission:

GeneDx
Classification: Likely benign. Last evaluated: 2016-01-20. Review status: criteria provided, single submitter. Criteria: GeneDx Variant Classification (06012015). Collection method: clinical testing. Allele origin: germline. Affected: yes.
Comment: This variant is considered likely benign or benign based on one or more of the following criteria: it is a conservative change, it occurs at a poorly conserved position in the protein, it is predicted to be benign by multiple in silico algorithms, and/or has population frequency not consistent with disease.